The following is an entry in ClinVar:

NM_001164665.2(KIAA1549):c.5426G>A (p.Arg1809Gln)

Gene: KIAA1549 (KIAA1549; minus strand). Cytogenetic location: 7q34.
Variant type: single nucleotide variant.
Coding change: c.5426G>A on transcript NM_001164665.2 (MANE Select); coding-DNA position 5426, G replaced by A.
Protein change: p.Arg1809Gln; replaces arginine 1809 with glutamine.
Molecular consequence: missense variant.
Genome position (GRCh38, 1-based): chr7:138,844,343, C>T on the plus strand (G>A on the coding strand, the complement: KIAA1549 is on the minus strand). VCF-style: chr7-138844343-C-T. GRCh37 (hg19) VCF-style: chr7-138529088-C-T.
Other names: c.5426G>A, p.Arg1809Gln (NM_020910.3); short protein forms R1809Q.
Identifiers: ClinVar variation 848931 (VCV000848931.7), dbSNP rs368163898, ClinGen allele CA4505560.
Genomic context (GRCh38, chr7:138,844,343, plus strand): 5'-AGCTCAGAAATGGAAGCTAAACAGCCACATATACCTGTGGTACCCCCGACAGGCCGAGGC[C>T]GGGCCACCGACGGCATCTCCTCCGAGTAGATCCCTCTGGCAGCAAATGGGGCTTCGGCGG-3'
Protein context (NP_001158137.1, residues 1799-1819): IYSEEMPSVA[Arg1809Gln]PRPVGGTTGS

ClinVar aggregate classification (germline): Uncertain significance. Review status: criteria provided, multiple submitters, no conflicts (2 of 4 stars). 3 submissions from 3 submitters: Uncertain significance (3). Last evaluated 2025-04-14.

Conditions:
Inborn genetic diseases. Identifiers: MedGen C0950123, MeSH D030342.

Allele frequency attached by ClinVar (database versions not stated): ExAC 0.00005; ESP Exome Variant Server 0.00008; gnomAD exomes 0.00008 and 0.00017; TOPMed 0.00008; gnomAD 0.00011.
gnomAD v4.1: 268 of 1,613,782 alleles (0.017%); highest among the groups gnomAD compares: Non-Finnish European, 0.021%; no homozygotes.

Submissions (3):

Labcorp Genetics (formerly Invitae), Labcorp
Classification: Uncertain significance. Last evaluated: 2025-04-14. Review status: criteria provided, single submitter. Criteria: Invitae Variant Classification Sherloc (09022015). Collection method: clinical testing. Allele origin: germline.
Comment: This sequence change replaces arginine, which is basic and polar, with glutamine, which is neutral and polar, at codon 1809 of the KIAA1549 protein (p.Arg1809Gln). This variant is present in population databases (rs368163898, gnomAD 0.02%). This variant has not been reported in the literature in individuals affected with KIAA1549-related conditions. ClinVar contains an entry for this variant (Variation ID: 848931). An algorithm developed to predict the effect of missense changes on protein structure and function (PolyPhen-2) suggests that this variant is likely to be disruptive. In summary, the available evidence is currently insufficient to determine the role of this variant in disease. Therefore, it has been classified as a Variant of Uncertain Significance.

Blueprint Genetics
Classification: Uncertain significance. Last evaluated: 2023-09-04. Review status: criteria provided, single submitter. Criteria: ACMG Guidelines, 2015. Collection method: clinical testing. Allele origin: germline.

Ambry Genetics
Classification: Uncertain significance for Inborn genetic diseases. Last evaluated: 2022-12-05. Review status: criteria provided, single submitter. Criteria: Ambry Variant Classification Scheme 2023. Collection method: clinical testing. Allele origin: germline.